The following is an entry in ClinVar:

NM_017654.4(SAMD9):c.2393T>C (p.Val798Ala)

Gene: SAMD9 (sterile alpha motif domain containing 9; minus strand). Cytogenetic location: 7q21.2.
Variant type: single nucleotide variant.
Coding change: c.2393T>C on transcript NM_017654.4 (MANE Select); coding-DNA position 2393, T replaced by C.
Protein change: p.Val798Ala; replaces valine 798 with alanine.
Molecular consequence: missense variant.
Genome position (GRCh38, 1-based): chr7:93,103,705, A>G on the plus strand (T>C on the coding strand, the complement: SAMD9 is on the minus strand). VCF-style: chr7-93103705-A-G. GRCh37 (hg19) VCF-style: chr7-92733018-A-G.
Other names: c.2393T>C, p.Val798Ala (NM_001193307.2); c.2393T>C (NM_017654.3); short protein forms V798A.
Identifiers: ClinVar variation 1357242 (VCV001357242.10), dbSNP rs2116417560, ClinGen allele CA368190845.

ClinVar aggregate classification (germline): Uncertain significance. Review status: criteria provided, multiple submitters, no conflicts (2 of 4 stars). 2 submissions from 2 submitters: Uncertain significance (2). Last evaluated 2025-06-19.

Conditions:
Inborn genetic diseases. Identifiers: MedGen C0950123, MeSH D030342.

Allele frequency attached by ClinVar (database versions not stated): gnomAD exomes below 0.00001.

Submissions (2):

Ambry Genetics
Classification: Uncertain significance for Inborn genetic diseases. Last evaluated: 2025-06-19. Review status: criteria provided, single submitter. Criteria: Ambry Variant Classification Scheme 2023. Collection method: clinical testing. Allele origin: germline.

Labcorp Genetics (formerly Invitae), Labcorp
Classification: Uncertain significance. Last evaluated: 2023-07-08. Review status: criteria provided, single submitter. Criteria: Invitae Variant Classification Sherloc (09022015). Collection method: clinical testing. Allele origin: germline.
Comment: In summary, the available evidence is currently insufficient to determine the role of this variant in disease. Therefore, it has been classified as a Variant of Uncertain Significance. Advanced modeling of protein sequence and biophysical properties (such as structural, functional, and spatial information, amino acid conservation, physicochemical variation, residue mobility, and thermodynamic stability) has been performed at Invitae for this missense variant, however the output from this modeling did not meet the statistical confidence thresholds required to predict the impact of this variant on SAMD9 protein function. ClinVar contains an entry for this variant (Variation ID: 1357242). This variant has not been reported in the literature in individuals affected with SAMD9-related conditions. This variant is not present in population databases (gnomAD no frequency). This sequence change replaces valine, which is neutral and non-polar, with alanine, which is neutral and non-polar, at codon 798 of the SAMD9 protein (p.Val798Ala).